The following is an entry in ClinVar:

NM_001290060.2(SEMA3B):c.2094G>A (p.Pro698=)

Gene: SEMA3B (semaphorin 3B; plus strand). Cytogenetic location: 3p21.31.
Variant type: single nucleotide variant.
Coding change: c.2094G>A on transcript NM_001290060.2 (MANE Select); coding-DNA position 2094, G replaced by A.
Protein change: p.Pro698=; no amino-acid change (proline 698 retained).
Molecular consequence: synonymous variant. On other transcripts: non-coding transcript variant (1).
Genome position (GRCh38, 1-based): chr3:50,276,550, G>A. VCF-style: chr3-50276550-G-A. GRCh37 (hg19) VCF-style: chr3-50313981-G-A.
Other names: c.2091G>A, p.Pro697= (NM_001005914.3, NM_001435957.1, NM_001435958.1); c.2109G>A, p.Pro703= (NM_001290061.1); c.1065G>A, p.Pro355= (NM_001290062.2, NM_001290063.2); c.2094G>A, p.Pro698= (NM_001435956.1, NM_004636.4).
Identifiers: ClinVar variation 4983251 (VCV004983251.1).

ClinVar aggregate classification (germline): Likely benign (1 of 4 stars; one submission).

Conditions:
SEMA3B-related disorder. Also called: SEMA3B-related condition.

gnomAD v4.1: 17 of 1,537,710 alleles (0.0011%); highest among the groups gnomAD compares: Admixed American, 0.0039%; no homozygotes.

Submission:

PreventionGenetics, part of Exact Sciences
Classification: Likely benign for SEMA3B-related condition. Last evaluated: 2024-12-08. Review status: criteria provided, single submitter. Criteria: ACMG Guidelines, 2015. Collection method: clinical testing. Allele origin: germline.
Comment: This variant is classified as likely benign based on ACMG/AMP sequence variant interpretation guidelines (Richards et al. 2015 PMID: 25741868, with internal and published modifications).